The following is an entry in ClinVar:

NM_006270.5(RRAS):c.255G>A (p.Ala85=)

Gene: RRAS (RAS related; minus strand). Cytogenetic location: 19q13.33.
Variant type: single nucleotide variant.
Coding change: c.255G>A on transcript NM_006270.5 (MANE Select); coding-DNA position 255, G replaced by A.
Protein change: p.Ala85=; no amino-acid change (alanine 85 retained).
Molecular consequence: synonymous variant.
Genome position (GRCh38, 1-based): chr19:49,636,913, C>T on the plus strand (G>A on the coding strand, the complement: RRAS is on the minus strand). VCF-style: chr19-49636913-C-T. GRCh37 (hg19) VCF-style: chr19-50140170-C-T.
Identifiers: ClinVar variation 706868 (VCV000706868.17), dbSNP rs142801791, ClinGen allele CA9579086.

ClinVar aggregate classification (germline): Benign/Likely benign. Review status: criteria provided, multiple submitters, no conflicts (2 of 4 stars). 5 submissions from 5 submitters: Benign (1); Likely benign (3). 1 of the submissions does not count toward it. Last evaluated 2025-06-08.

Conditions:
RRAS-related disorder. Also called: RRAS-related condition.
Noonan syndrome (NS). Also called: Noonan's syndrome. Identifiers: Orphanet 648, MedGen C0028326, MeSH D009634, MONDO:0018997. Disease mechanism: gain of function.

Allele frequency attached by ClinVar (database versions not stated): gnomAD exomes 0.00005 and 0.00010; ExAC 0.00012; TOPMed 0.00012; ESP Exome Variant Server 0.00015; gnomAD 0.00015; 1000 Genomes Project 30x 0.00094; 1000 Genomes Project 0.00100.

Submissions (5):

Labcorp Genetics (formerly Invitae), Labcorp
Classification: Likely benign for Noonan syndrome. Last evaluated: 2025-06-08. Review status: criteria provided, single submitter. Criteria: Invitae Variant Classification Sherloc (09022015). Collection method: clinical testing. Allele origin: germline.

Blueprint Genetics
Classification: Likely benign. Last evaluated: 2024-06-03. Review status: criteria provided, single submitter. Criteria: ACMG Guidelines, 2015. Collection method: clinical testing. Allele origin: germline.

Women's Health and Genetics/Laboratory Corporation of America, LabCorp
Classification: Benign. Last evaluated: 2021-05-23. Review status: criteria provided, single submitter. Criteria: LabCorp Variant Classification Summary - May 2015. Collection method: clinical testing. Allele origin: germline.

Ambry Genetics
Classification: Likely benign. Last evaluated: 2019-05-22. Review status: criteria provided, single submitter. Criteria: Ambry Variant Classification Scheme 2023. Collection method: clinical testing. Allele origin: germline.

PreventionGenetics, part of Exact Sciences
Classification: Likely benign for RRAS-related condition. Last evaluated: 2023-12-20. Review status: no assertion criteria provided. Collection method: clinical testing. Allele origin: germline. Not counted in ClinVar's aggregate classification.
Comment: This variant is classified as likely benign based on ACMG/AMP sequence variant interpretation guidelines (Richards et al. 2015 PMID: 25741868, with internal and published modifications).